The following is an entry in ClinVar:

ClinVar aggregate classification (germline): Uncertain significance (1 of 4 stars; one submission).

Allele frequency attached by ClinVar (database versions not stated): TOPMed below 0.00001; gnomAD exomes 0.00001.

Submission:

Women's Health and Genetics/Laboratory Corporation of America, LabCorp
Classification: Uncertain significance. Last evaluated: 2023-06-23. Review status: criteria provided, single submitter. Criteria: LabCorp Variant Classification Summary - May 2015. Collection method: clinical testing. Allele origin: germline.
Comment: Variant summary: TSHR c.1897G>A (p.Asp633Asn) results in a conservative amino acid change in the encoded protein sequence. Three of five in-silico tools predict a damaging effect of the variant on protein function. The variant allele was found at a frequency of 4e-06 in 251448 control chromosomes in gnomAD. The available data on variant occurrences in the general population are insufficient to allow any conclusion about variant significance. In a childhood cancer survivor study with 5451 cancer survivors and 597 cancer-free adults as controls, c.1897G>A has been reported in unspecified individual(s) affected with soft tissue sarcoma or other unspecified cancers (Kim_2021). This report does not provide unequivocal conclusions about association of the variant with Hypothyroidism Due To TSH Receptor Mutations or other TSHR-related diseases. At least two publications report experimental evidence evaluating an impact on protein function. These results showed no damaging effect of this variant, but this residue might be required to stabilize the interaction between transmembrane domains (Govaerts_2001, Neumann_2001). The following publications have been ascertained in the context of this evaluation (PMID: 11312274, 34308104, 11463854). No submitters have cited clinical-significance assessments for this variant to ClinVar after 2014. Based on the evidence outlined above, the variant was classified as uncertain significance.

Literature cited by the submitters: PubMed 34308104; PubMed 11312274; PubMed 11463854.

NM_000369.5(TSHR):c.1897G>A (p.Asp633Asn)

Genes: TSHR (thyroid stimulating hormone receptor; plus strand), TSHR-AS1 (TSHR antisense RNA 1; minus strand). Cytogenetic location: 14q31.1.
Variant type: single nucleotide variant.
Coding change: c.1897G>A on transcript NM_000369.5 (MANE Select); coding-DNA position 1897, G replaced by A.
Protein change: p.Asp633Asn; replaces aspartic acid 633 with asparagine.
Molecular consequence: missense variant.
Genome position (GRCh38, 1-based): chr14:81,143,955, G>A. VCF-style: chr14-81143955-G-A. GRCh37 (hg19) VCF-style: chr14-81610299-G-A.
Other names: short protein forms D633N.
Identifiers: ClinVar variation 2573402 (VCV002573402.1), dbSNP rs28937584, ClinGen allele CA263936324.
Genomic context (GRCh38, chr14:81,143,955, plus strand): 5'-TACAACCCAGGGGACAAAGATACCAAAATTGCCAAGAGGATGGCTGTGTTGATCTTCACC[G>A]ACTTCATATGCATGGCCCCAATCTCATTCTATGCTCTGTCAGCAATTCTGAACAAGCCTC-3'
Protein context (NP_000360.2, residues 623-643): AKRMAVLIFT[Asp633Asn]FICMAPISFY